The following is an entry in ClinVar:

ClinVar aggregate classification (germline): Uncertain significance (1 of 4 stars; one submission).

Conditions:
Meckel syndrome, type 11 (MKS11). Identifiers: Orphanet 564, MedGen C3809352, MONDO:0014164, OMIM 615397.
Joubert syndrome 20 (JBTS20). Identifiers: Orphanet 475, MedGen C3554235, MONDO:0013994, OMIM 614970.

Allele frequency attached by ClinVar (database versions not stated): gnomAD exomes below 0.00001; gnomAD 0.00001; TOPMed 0.00001.
gnomAD v4.1: 2 of 1,609,666 alleles (0.00012%); highest among the groups gnomAD compares: Non-Finnish European, 0.00017%; no homozygotes.

Submission:

Labcorp Genetics (formerly Invitae), Labcorp
Classification: Uncertain significance for Joubert syndrome 20; Meckel syndrome, type 11. Last evaluated: 2021-06-29. Review status: criteria provided, single submitter. Criteria: Invitae Variant Classification Sherloc (09022015). Collection method: clinical testing. Allele origin: germline.
Comment: In summary, the available evidence is currently insufficient to determine the role of this variant in disease. Therefore, it has been classified as a Variant of Uncertain Significance. Algorithms developed to predict the effect of missense changes on protein structure and function are either unavailable or do not agree on the potential impact of this missense change (SIFT: "Deleterious"; PolyPhen-2: "Not Available"; Align-GVGD: "Class C65"). This variant has not been reported in the literature in individuals affected with TMEM231-related conditions. This variant is not present in population databases (ExAC no frequency). This sequence change replaces proline with leucine at codon 305 of the TMEM231 protein (p.Pro305Leu). The proline residue is highly conserved and there is a moderate physicochemical difference between proline and leucine.

NM_001077418.3(TMEM231):c.755C>T (p.Pro252Leu)

Gene: TMEM231 (transmembrane protein 231; minus strand). Cytogenetic location: 16q23.1.
Variant type: single nucleotide variant.
Coding change: c.755C>T on transcript NM_001077418.3 (MANE Select); coding-DNA position 755, C replaced by T.
Protein change: p.Pro252Leu; replaces proline 252 with leucine.
Molecular consequence: missense variant. On other transcripts: non-coding transcript variant (1).
Genome position (GRCh38, 1-based): chr16:75,541,365, G>A on the plus strand (C>T on the coding strand, the complement: TMEM231 is on the minus strand). VCF-style: chr16-75541365-G-A. GRCh37 (hg19) VCF-style: chr16-75575263-G-A.
Other names: c.914C>T, p.Pro305Leu (NM_001077416.2); short protein forms P252L, P305L.
Identifiers: ClinVar variation 1498385 (VCV001498385.7), dbSNP rs1230743826, ClinGen allele CA396804191.